The following is an entry in ClinVar:

ClinVar aggregate classification (germline): Benign/Likely benign. Review status: criteria provided, multiple submitters, no conflicts (2 of 4 stars). 3 submissions from 3 submitters: Benign (1); Likely benign (2). Last evaluated 2024-04-02.

Conditions:
Familial adenomatous polyposis 1 (FAP1). Also called: FAMILIAL ADENOMATOUS POLYPOSIS 1, ATTENUATED; POLYPOSIS, ADENOMATOUS INTESTINAL. Identifiers: MedGen C2713442, MONDO:0021056, OMIM 175100. Disease mechanism: loss of function.
Hereditary cancer-predisposing syndrome. Also called: Neoplastic Syndromes, Hereditary; Tumor predisposition; Hereditary Cancer Syndrome; Hereditary neoplastic syndrome. Identifiers: Orphanet 140162, MedGen C0027672, MeSH D009386, MONDO:0015356.

gnomAD v4.1: 1 of 1,613,838 alleles (0.000062%); highest among the groups gnomAD compares: Non-Finnish European, 0.000085%; no homozygotes.

Submissions (3):

Myriad Genetics, Inc.
Classification: Benign for Familial adenomatous polyposis 1. Last evaluated: 2024-04-02. Review status: criteria provided, single submitter. Criteria: Myriad Autosomal Dominant, Autosomal Recessive and X-Linked Classification Criteria (2023). Collection method: clinical testing. Allele origin: unknown.
Comment: This variant is considered benign. This variant is a silent/synonymous amino acid change and it is not expected to impact splicing.

Women's Health and Genetics/Laboratory Corporation of America, LabCorp
Classification: Likely benign. Last evaluated: 2023-12-15. Review status: criteria provided, single submitter. Criteria: LabCorp Variant Classification Summary - May 2015. Collection method: clinical testing. Allele origin: germline.

Ambry Genetics
Classification: Likely benign for Hereditary cancer-predisposing syndrome. Last evaluated: 2017-06-05. Review status: criteria provided, single submitter. Criteria: Ambry Variant Classification Scheme 2023. Collection method: clinical testing. Allele origin: germline.

NM_000038.6(APC):c.5652A>G (p.Ala1884=)

Gene: APC (APC regulator of Wnt signaling pathway; plus strand). Cytogenetic location: 5q22.2.
Variant type: single nucleotide variant.
Coding change: c.5652A>G on transcript NM_000038.6 (MANE Select); coding-DNA position 5652, A replaced by G.
Protein change: p.Ala1884=; no amino-acid change (alanine 1884 retained).
Molecular consequence: synonymous variant.
Genome position (GRCh38, 1-based): chr5:112,841,246, A>G. VCF-style: chr5-112841246-A-G. GRCh37 (hg19) VCF-style: chr5-112176943-A-G.
Other names: c.5652A>G, p.Ala1884= (NM_001127510.3, NM_001354895.2); c.5598A>G, p.Ala1866= (NM_001127511.3); c.5706A>G, p.Ala1902= (NM_001354896.2); c.5682A>G, p.Ala1894= (NM_001354897.2); c.5577A>G, p.Ala1859= (NM_001354898.2); c.5568A>G, p.Ala1856= (NM_001354899.2); c.5529A>G, p.Ala1843= (NM_001354900.2); c.5475A>G, p.Ala1825= (NM_001354901.2); and 5 more.
Identifiers: ClinVar variation 485157 (VCV000485157.7), dbSNP rs876658458, ClinGen allele CA446208991.